The following is an entry in ClinVar:

ClinVar aggregate classification (germline): Benign/Likely benign. Review status: criteria provided, multiple submitters, no conflicts (2 of 4 stars). 22 submissions from 15 submitters: Benign (18); Likely benign (2). 2 of the submissions do not count toward it. Last evaluated 2026-02-04.

Conditions:
Cardiovascular phenotype. Identifiers: MedGen CN230736.
Dilated cardiomyopathy 1G (CMD1G). Identifiers: Orphanet 154, MedGen C1858763, MONDO:0011400, OMIM 604145.
Autosomal recessive limb-girdle muscular dystrophy type 2J (LGMDR10). Also called: Limb-girdle muscular dystrophy, type 2J; MUSCULAR DYSTROPHY, LIMB-GIRDLE, AUTOSOMAL RECESSIVE 10. Identifiers: Orphanet 140922, MedGen C1837342, MONDO:0012127, OMIM 608807.
Early-onset myopathy with fatal cardiomyopathy (CMYO5). Also called: CONGENITAL MYOPATHY 5 WITH CARDIOMYOPATHY; Salih Myopathy. Identifiers: Orphanet 289377, MedGen C2673677, MONDO:0012714, OMIM 611705. Disease mechanism: loss of function.
Myopathy, myofibrillar, 9, with early respiratory failure (MFM9). Also called: MYOPATHY, PROXIMAL, WITH EARLY RESPIRATORY MUSCLE INVOLVEMENT; Myopathy, distal, with early respiratory failure, autosomal dominant; Hereditary myopathy with early respiratory failure; EDSTROM MYOPATHY. Identifiers: Orphanet 178464, Orphanet 34521, MedGen C1863599, MONDO:0011362, OMIM 603689.
Tibial muscular dystrophy (TMD). Also called: Tibial muscular dystrophy, tardive; UDD MYOPATHY; Udd Distal Myopathy – Tibial Muscular Dystrophy. Identifiers: Orphanet 609, MedGen C1838244, MONDO:0010870, OMIM 600334.

Allele frequency attached by ClinVar (database versions not stated): ESP Exome Variant Server 0.03437; gnomAD 0.04907 and 0.05176; gnomAD exomes 0.05505 and 0.08285; TOPMed 0.06177; ExAC 0.07594; 1000 Genomes Project 30x 0.08089; 1000 Genomes Project 0.08127.
gnomAD v4.1: 88,306 of 1,614,076 alleles (5.5%); highest among the groups gnomAD compares: Admixed American, 21%; 4,018 homozygotes.

Submissions (22):

Labcorp Genetics (formerly Invitae), Labcorp
Classification: Benign for Dilated cardiomyopathy 1G; Autosomal recessive limb-girdle muscular dystrophy type 2J. Last evaluated: 2026-02-04. Review status: criteria provided, single submitter. Criteria: Invitae Variant Classification Sherloc (09022015). Collection method: clinical testing. Allele origin: germline.

Molecular Diagnostic Laboratory for Inherited Cardiovascular Disease, Montreal Heart Institute
Classification: Benign. Last evaluated: 2025-04-09. Review status: criteria provided, single submitter. Criteria: ACMG Guidelines, 2015. Collection method: clinical testing. Allele origin: germline. Affected: no.

Genome-Nilou Lab
Classification: Benign for Autosomal recessive limb-girdle muscular dystrophy type 2J. Last evaluated: 2021-09-10. Review status: criteria provided, single submitter. Criteria: ACMG Guidelines, 2015. Collection method: clinical testing. Allele origin: germline. Affected: no.

Genome-Nilou Lab
Classification: Benign for Myopathy, myofibrillar, 9, with early respiratory failure. Last evaluated: 2021-09-10. Review status: criteria provided, single submitter. Criteria: ACMG Guidelines, 2015. Collection method: clinical testing. Allele origin: germline. Affected: no.

Genome-Nilou Lab
Classification: Benign for Early-onset myopathy with fatal cardiomyopathy. Last evaluated: 2021-09-10. Review status: criteria provided, single submitter. Criteria: ACMG Guidelines, 2015. Collection method: clinical testing. Allele origin: germline. Affected: no.

Genome-Nilou Lab
Classification: Benign for Tibial muscular dystrophy. Last evaluated: 2021-09-10. Review status: criteria provided, single submitter. Criteria: ACMG Guidelines, 2015. Collection method: clinical testing. Allele origin: germline. Affected: no.

Women's Health and Genetics/Laboratory Corporation of America, LabCorp
Classification: Likely benign. Last evaluated: 2020-09-06. Review status: criteria provided, single submitter. Criteria: LabCorp Variant Classification Summary - May 2015. Collection method: clinical testing. Allele origin: germline.

Illumina Laboratory Services, Illumina
Classification: Benign for Dilated cardiomyopathy 1G. Last evaluated: 2018-01-13. Review status: criteria provided, single submitter. Criteria: ICSL Variant Classification Criteria 13 December 2019. Collection method: clinical testing. Allele origin: germline.
Comment: This variant was observed in the ICSL laboratory as part of a predisposition screen in an ostensibly healthy population. It had not been previously curated by ICSL or reported in the Human Gene Mutation Database (HGMD: prior to June 1st, 2018), and was therefore a candidate for classification through an automated scoring system. Utilizing variant allele frequency, disease prevalence and penetrance estimates, and inheritance mode, an automated score was calculated to assess if this variant is too frequent to cause the disease. Based on the score and internal cut-off values, a variant classified as benign is not then subjected to further curation. The score for this variant resulted in a classification of benign for this disease.

Illumina Laboratory Services, Illumina
Classification: Benign for Tibial muscular dystrophy. Last evaluated: 2018-01-13. Review status: criteria provided, single submitter. Criteria: ICSL Variant Classification Criteria 13 December 2019. Collection method: clinical testing. Allele origin: germline.
Comment: the same text as in the submission from Illumina Laboratory Services, Illumina above.

Illumina Laboratory Services, Illumina
Classification: Benign for Early-onset myopathy with fatal cardiomyopathy. Last evaluated: 2018-01-13. Review status: criteria provided, single submitter. Criteria: ICSL Variant Classification Criteria 13 December 2019. Collection method: clinical testing. Allele origin: germline.
Comment: the same text as in the submission from Illumina Laboratory Services, Illumina above.

Illumina Laboratory Services, Illumina
Classification: Benign for Myopathy, myofibrillar, 9, with early respiratory failure. Last evaluated: 2018-01-13. Review status: criteria provided, single submitter. Criteria: ICSL Variant Classification Criteria 13 December 2019. Collection method: clinical testing. Allele origin: germline.
Comment: the same text as in the submission from Illumina Laboratory Services, Illumina above.

Illumina Laboratory Services, Illumina
Classification: Benign for Autosomal recessive limb-girdle muscular dystrophy type 2J. Last evaluated: 2018-01-13. Review status: criteria provided, single submitter. Criteria: ICSL Variant Classification Criteria 13 December 2019. Collection method: clinical testing. Allele origin: germline.
Comment: the same text as in the submission from Illumina Laboratory Services, Illumina above.

Mayo Clinic Laboratories, Mayo Clinic
Classification: Benign. Last evaluated: 2017-07-25. Review status: criteria provided, single submitter. Criteria: ACMG Guidelines, 2015. Collection method: clinical testing. Allele origin: germline. Observed: 275 variant alleles.

Genetic Services Laboratory, University of Chicago
Classification: Benign for AllHighlyPenetrant. Last evaluated: 2013-08-15. Review status: criteria provided, single submitter. Criteria: ACMG Guidelines, 2007. Collection method: clinical testing. Allele origin: germline.

Biesecker Lab/Clinical Genomics Section, National Institutes of Health
Classification: Benign. Last evaluated: 2013-06-24. Review status: criteria provided, single submitter. Criteria: Ng et al. (Circ Cardiovasc Genet. 2013). Collection method: research. Allele origin: unknown. Observed: 93 variant alleles. Study: ClinSeq.
Comment: The study set was not selected for affection status in relation to any cancer. Pathogenicity categories were based on literature curation. See Pubmed ID:23861362 for details.

Medical sequencing

GeneDx
Classification: Benign. Last evaluated: 2012-10-19. Review status: criteria provided, single submitter. Criteria: GeneDx Variant Classification (06012015). Collection method: clinical testing. Allele origin: germline. Affected: yes.
Comment: This variant is considered likely benign or benign based on one or more of the following criteria: it is a conservative change, it occurs at a poorly conserved position in the protein, it is predicted to be benign by multiple in silico algorithms, and/or has population frequency not consistent with disease.

Ambry Genetics
Classification: Benign for Cardiovascular phenotype. Last evaluated: 2012-08-23. Review status: criteria provided, single submitter. Criteria: Ambry Autosomal Dominant and X-Linked criteria (10/2015). Collection method: clinical testing. Allele origin: germline. Observed: 1 variant allele.

Laboratory for Molecular Medicine, Mass General Brigham Personalized Medicine
Classification: Benign. Last evaluated: 2012-03-19. Review status: criteria provided, single submitter. Criteria: LMM Criteria. Collection method: clinical testing. Allele origin: germline. Observed: 174 variant alleles.
Comment: Ser2831Asn in exon 36 of TTN: This variant is not expected to have clinical sign ificance because it has been identified in 4.8% (332/7020) of European American chromosomes and 1.4% (52/3738) of African American chromosomes from a broad popu lation by the NHLBI Exome Sequencing Project (dbSNP rs2306636)

Breakthrough Genomics
Classification: Likely benign. Review status: criteria provided, single submitter. Criteria: ACMG Guidelines, 2015. Collection method: not provided. Allele origin: germline. Inheritance: Autosomal recessive inheritance. Affected: yes.

PreventionGenetics, part of Exact Sciences
Classification: Benign. Review status: criteria provided, single submitter. Criteria: ACMG Guidelines, 2015. Collection method: clinical testing. Allele origin: germline.

Clinical Genetics DNA and cytogenetics Diagnostics Lab, Erasmus MC, Erasmus Medical Center
Classification: Benign. Review status: no assertion criteria provided. Collection method: clinical testing. Allele origin: germline. Affected: yes. Study: VKGL Data-share Consensus. Not counted in ClinVar's aggregate classification.

Clinical Genetics, Academic Medical Center
Classification: Benign. Review status: no assertion criteria provided. Collection method: clinical testing. Allele origin: germline. Affected: yes. Study: VKGL Data-share Consensus. Not counted in ClinVar's aggregate classification.

NM_001267550.2(TTN):c.8492G>A (p.Ser2831Asn)

Gene: TTN (titin; minus strand). Cytogenetic location: 2q31.2.
Variant type: single nucleotide variant.
Coding change: c.8492G>A on transcript NM_001267550.2 (MANE Select); coding-DNA position 8492, G replaced by A.
Protein change: p.Ser2831Asn; replaces serine 2831 with asparagine.
Molecular consequence: missense variant.
Genome position (GRCh38, 1-based): chr2:178,770,209, C>T on the plus strand (G>A on the coding strand, the complement: TTN is on the minus strand). VCF-style: chr2-178770209-C-T. GRCh37 (hg19) VCF-style: chr2-179634936-C-T.
Other names: p.S2831N:AGT>AAT; c.8354G>A, p.Ser2785Asn (NM_003319.4, NM_133432.3, NM_133437.4); c.8492G>A, p.Ser2831Asn (NM_133379.5, NM_001256850.1, NM_133378.4); short protein forms S2831N, S2785N.
Identifiers: ClinVar variation 47527 (VCV000047527.34), dbSNP rs2306636, ClinGen allele CA284053.
Genomic context (GRCh38, chr2:178,770,209, plus strand): 5'-AGCTTGTGGACTTTCCTTTCTGAGACCAGTCTGTGTTTGTCACTTGGCTTAATTTCCACA[C>T]TCTTATGGAACCATTTTACTGGAACAGTGTCATGGGAAACACTAACTTCAAAGGCAACAG-3'
Protein context (NP_001254479.2, residues 2821-2841): DTVPVKWFHK[Ser2831Asn]VEIKPSDKHR